The following is an entry in ClinVar:

ClinVar aggregate classification (germline): Likely benign. Review status: criteria provided, single submitter (1 of 4 stars). 2 submissions from 1 submitter: Likely benign (2). Last evaluated 2018-01-12.

Conditions:
Cranioectodermal dysplasia 2 (CED2). Identifiers: Orphanet 1515, MedGen C3150874, MONDO:0013323, OMIM 613610.
Short-rib thoracic dysplasia 7 with or without polydactyly (SRTD7). Also called: Short rib polydactyly syndrome 5; SHORT-RIB THORACIC DYSPLASIA 7 WITH POLYDACTYLY. Identifiers: Orphanet 498497, Orphanet 93271, MedGen C3279792, MONDO:0013569, OMIM 614091.

Allele frequency attached by ClinVar (database versions not stated): TOPMed 0.00009; 1000 Genomes Project 0.00319; 1000 Genomes Project 30x 0.00375.

Submissions (2):

Illumina Laboratory Services, Illumina
Classification: Likely benign for Cranioectodermal dysplasia 2. Last evaluated: 2018-01-12. Review status: criteria provided, single submitter. Criteria: ICSL Variant Classification Criteria 13 December 2019. Collection method: clinical testing. Allele origin: germline.
Comment: This variant was observed in the ICSL laboratory as part of a predisposition screen in an ostensibly healthy population. It had not been previously curated by ICSL or reported in the Human Gene Mutation Database (HGMD: prior to June 1st, 2018), and was therefore a candidate for classification through an automated scoring system. Utilizing variant allele frequency, disease prevalence and penetrance estimates, and inheritance mode, an automated score was calculated to assess if this variant is too frequent to cause the disease. Based on the score and internal cut-off values, a variant classified as likely benign is not then subjected to further curation. The score for this variant resulted in a classification of likely benign for this disease.

Illumina Laboratory Services, Illumina
Classification: Likely benign for Short-rib thoracic dysplasia 7 with or without polydactyly. Last evaluated: 2018-01-12. Review status: criteria provided, single submitter. Criteria: ICSL Variant Classification Criteria 13 December 2019. Collection method: clinical testing. Allele origin: germline.
Comment: the same text as in the submission from Illumina Laboratory Services, Illumina above.

NM_020779.4(WDR35):c.*998A>G

Gene: WDR35 (WD repeat domain 35; minus strand). Cytogenetic location: 2p24.1.
Variant type: single nucleotide variant.
Coding change: c.*998A>G on transcript NM_020779.4 (MANE Select); 998 bases downstream of the stop codon, A replaced by G.
Molecular consequence: 3 prime UTR variant.
Genome position (GRCh38, 1-based): chr2:19,912,560, T>C on the plus strand (A>G on the coding strand, the complement: WDR35 is on the minus strand). VCF-style: chr2-19912560-T-C. GRCh37 (hg19) VCF-style: chr2-20112321-T-C.
Other names: c.*998A>G (NM_001006657.2).
Identifiers: ClinVar variation 333356 (VCV000333356.5), dbSNP rs530093062, ClinGen allele CA10611901.
Genomic context (GRCh38, chr2:19,912,560, plus strand): 5'-ACAAAAACATATGAGATTGAGAAAGTGTATTGTAGCTGCAAAAACAAAGTTGCGTATCTC[T>C]ATGTATTGCCTCTACTATATGTAAGCCAAACCTCAATAAAATAATCTTGATGAAATAGTG-3'